The following is an entry in ClinVar:

NM_004946.3(DOCK2):c.1981A>G (p.Met661Val)

Gene: DOCK2 (dedicator of cytokinesis 2; plus strand). Cytogenetic location: 5q35.1.
Variant type: single nucleotide variant.
Coding change: c.1981A>G on transcript NM_004946.3 (MANE Select); coding-DNA position 1981, A replaced by G.
Protein change: p.Met661Val; replaces methionine 661 with valine.
Molecular consequence: missense variant. On other transcripts: non-coding transcript variant (1).
Genome position (GRCh38, 1-based): chr5:169,716,252, A>G. VCF-style: chr5-169716252-A-G. GRCh37 (hg19) VCF-style: chr5-169143256-A-G.
Other names: short protein forms M661V.
Identifiers: ClinVar variation 1009877 (VCV001009877.8), dbSNP rs1761909712, ClinGen allele CA362108604.

ClinVar aggregate classification (germline): Uncertain significance (1 of 4 stars; one submission).

Conditions:
DOCK2 deficiency. Also called: Immunodeficiency 40. Identifiers: Orphanet 447737, MedGen C4225328, MONDO:0014637, OMIM 616433.

Allele frequency attached by ClinVar (database versions not stated): gnomAD exomes below 0.00001.
gnomAD v4.1: 1 of 1,613,756 alleles (0.000062%); highest among the groups gnomAD compares: Non-Finnish European, 0.000085%; no homozygotes.

Submission:

Labcorp Genetics (formerly Invitae), Labcorp
Classification: Uncertain significance for DOCK2 deficiency. Last evaluated: 2020-06-29. Review status: criteria provided, single submitter. Criteria: Invitae Variant Classification Sherloc (09022015). Collection method: clinical testing. Allele origin: germline.
Comment: In summary, the available evidence is currently insufficient to determine the role of this variant in disease. Therefore, it has been classified as a Variant of Uncertain Significance. Algorithms developed to predict the effect of missense changes on protein structure and function are either unavailable or do not agree on the potential impact of this missense change (SIFT: "Tolerated"; PolyPhen-2: "Possibly Damaging"; Align-GVGD: "Class C0"). This variant has not been reported in the literature in individuals with DOCK2-related conditions. This variant is not present in population databases (ExAC no frequency). This sequence change replaces methionine with valine at codon 661 of the DOCK2 protein (p.Met661Val). The methionine residue is moderately conserved and there is a small physicochemical difference between methionine and valine.